The following is an entry in ClinVar:

NM_000321.3(RB1):c.2216dup (p.Lys740fs)

Gene: RB1 (RB transcriptional corepressor 1; plus strand). Cytogenetic location: 13q14.2.
Variant type: Duplication.
Coding change: c.2216dup on transcript NM_000321.3 (MANE Select); coding-DNA position 2216, one base duplicated (T; older notation c.2216dupT).
Protein change: p.Lys740fs; shifts the reading frame from lysine 740.
Molecular consequence: frameshift variant.
Genome position (GRCh38, 1-based): chr13:48,465,002, T duplicated; the last of 2 consecutive T bases (chr13:48,465,001-48,465,002); duplicating either gives the same sequence. VCF-style (leftmost placement, unchanged base first): chr13-48465000-A-AT. GRCh37 (hg19) VCF-style: chr13-49039136-A-AT.
Other names: c.2216dup, p.Lys740fs (NM_001407165.1); short protein forms K740fs.
Identifiers: ClinVar variation 4056131 (VCV004056131.3).

ClinVar aggregate classification (germline): Pathogenic. Review status: criteria provided, multiple submitters, no conflicts (2 of 4 stars). 2 submissions from 2 submitters: Pathogenic (2). Last evaluated 2025-06-17.

Conditions:
Retinoblastoma (RB1). Also called: RETINOBLASTOMA, SOMATIC. Identifiers: Orphanet 790, MedGen C0035335, MeSH D012175, MONDO:0008380, OMIM 180200, HP:0009919. Disease mechanism: loss of function. Inheritance: Both sporadic and heritable forms are tested..

Submissions (2):

St. Jude Molecular Pathology, St. Jude Children's Research Hospital
Classification: Pathogenic for Retinoblastoma. Last evaluated: 2025-06-17. Review status: criteria provided, single submitter. Criteria: St. Jude Assertion Criteria 2020. Collection method: clinical testing. Allele origin: germline.
Comment: The RB1 c.2216dup p.(Lys740GlnfsTer11) change duplicates one nucleotide to cause a frameshift and the creation of a premature stop codon. This change is predicted to cause protein truncation or absence of protein due to nonsense-mediated decay. This variant is also absent in gnomAD v2.1.1. In summary, this variant meets criteria to be classified as pathogenic.

Labcorp Genetics (formerly Invitae), Labcorp
Classification: Pathogenic for Retinoblastoma. Last evaluated: 2025-04-22. Review status: criteria provided, single submitter. Criteria: Invitae Variant Classification Sherloc (09022015). Collection method: clinical testing. Allele origin: germline.
Comment: This sequence change creates a premature translational stop signal (p.Lys740Glnfs*11) in the RB1 gene. It is expected to result in an absent or disrupted protein product. Loss-of-function variants in RB1 are known to be pathogenic (PMID: 17096365). This variant is not present in population databases (gnomAD no frequency). This variant has not been reported in the literature in individuals affected with RB1-related conditions. For these reasons, this variant has been classified as Pathogenic.

Literature cited by the submitters: PubMed 17096365 (cited by Labcorp Genetics (formerly Invitae), Labcorp).